The following is an entry in ClinVar:

NM_001394998.1(TANC2):c.5146G>C (p.Ala1716Pro)

Gene: TANC2 (tetratricopeptide repeat, ankyrin repeat and coiled-coil containing 2; plus strand). Cytogenetic location: 17q23.3.
Variant type: single nucleotide variant.
Coding change: c.5146G>C on transcript NM_001394998.1 (MANE Select); coding-DNA position 5146, G replaced by C.
Protein change: p.Ala1716Pro; replaces alanine 1716 with proline.
Molecular consequence: missense variant.
Genome position (GRCh38, 1-based): chr17:63,420,876, G>C. VCF-style: chr17-63420876-G-C. GRCh37 (hg19) VCF-style: chr17-61498237-G-C.
Other names: c.4924G>C, p.Ala1642Pro (NM_001411076.1); c.4894G>C, p.Ala1632Pro (NM_025185.4); short protein forms A1632P, A1642P, A1716P.
Identifiers: ClinVar variation 3372168 (VCV003372168.1).

ClinVar aggregate classification (germline): Uncertain significance (1 of 4 stars; one submission).

Submission:

GeneDx
Classification: Uncertain significance. Last evaluated: 2024-04-17. Review status: criteria provided, single submitter. Criteria: GeneDx Variant Classification Process June 2021. Collection method: clinical testing. Allele origin: germline. Affected: yes.
Comment: Not observed at significant frequency in large population cohorts (gnomAD); In silico analysis indicates that this missense variant does not alter protein structure/function; Has not been previously published as pathogenic or benign to our knowledge